The following is an entry in ClinVar:

NM_000170.3(GLDC):c.1342G>T (p.Glu448Ter)

Gene: GLDC (glycine decarboxylase; minus strand). Cytogenetic location: 9p24.1.
Variant type: single nucleotide variant.
Coding change: c.1342G>T on transcript NM_000170.3 (MANE Select); coding-DNA position 1342, G replaced by T.
Protein change: p.Glu448Ter; replaces glutamic acid 448 with a stop codon.
Molecular consequence: nonsense.
Genome position (GRCh38, 1-based): chr9:6,592,910, C>A on the plus strand (G>T on the coding strand, the complement: GLDC is on the minus strand). VCF-style: chr9-6592910-C-A. GRCh37 (hg19) VCF-style: chr9-6592910-C-A.
Other names: short protein forms E448*.
Identifiers: ClinVar variation 554282 (VCV000554282.12), dbSNP rs777365335, ClinGen allele CA372894012.

ClinVar aggregate classification (germline): Pathogenic. Review status: criteria provided, multiple submitters, no conflicts (2 of 4 stars). 3 submissions from 3 submitters: Pathogenic (2). 1 of the submissions does not count toward it. Last evaluated 2026-03-01.

Conditions:
Glycine encephalopathy 1 (GCE1). Identifiers: MedGen CN376801, MONDO:0958179, OMIM 605899.
Glycine encephalopathy. Also called: Nonketotic hyperglycinemia; Non-ketotic hyperglycinemia. Identifiers: Orphanet 407, MedGen C0751748, MONDO:0011612, HP:0008288.

Submissions (3):

CeGaT Center for Human Genetics Tuebingen
Classification: Pathogenic. Last evaluated: 2026-03-01. Review status: criteria provided, single submitter. Criteria: CeGaT Center For Human Genetics Tuebingen Variant Classification Criteria Version 2. Collection method: clinical testing. Allele origin: germline. Affected: yes. Observed: 1 variant allele.
Comment: GLDC: PVS1, PM2, PM3

Labcorp Genetics (formerly Invitae), Labcorp
Classification: Pathogenic for Glycine encephalopathy. Last evaluated: 2022-02-07. Review status: criteria provided, single submitter. Criteria: Invitae Variant Classification Sherloc (09022015). Collection method: clinical testing. Allele origin: germline.
Comment: For these reasons, this variant has been classified as Pathogenic. Algorithms developed to predict the effect of sequence changes on RNA splicing suggest that this variant may create or strengthen a splice site. ClinVar contains an entry for this variant (Variation ID: 554282). This premature translational stop signal has been observed in individual(s) with GLDC-related conditions (PMID: 27362913). This variant is not present in population databases (gnomAD no frequency). This sequence change creates a premature translational stop signal (p.Glu448*) in the GLDC gene. It is expected to result in an absent or disrupted protein product. Loss-of-function variants in GLDC are known to be pathogenic (PMID: 16601880).

Counsyl
Classification: Likely pathogenic for Glycine encephalopathy 1. Last evaluated: 2017-10-11. Review status: no assertion criteria provided. Collection method: clinical testing. Allele origin: unknown. Not counted in ClinVar's aggregate classification.

Literature cited by the submitters: PubMed 27362913 (cited by Labcorp Genetics (formerly Invitae), Labcorp and Counsyl); PubMed 16601880 (cited by Labcorp Genetics (formerly Invitae), Labcorp).